The following is an entry in ClinVar:

NM_001017995.3(SH3PXD2B):c.1672G>A (p.Gly558Ser)

Gene: SH3PXD2B (SH3 and PX domains 2B; minus strand). Cytogenetic location: 5q35.1.
Variant type: single nucleotide variant.
Coding change: c.1672G>A on transcript NM_001017995.3 (MANE Select); coding-DNA position 1672, G replaced by A.
Protein change: p.Gly558Ser; replaces glycine 558 with serine.
Molecular consequence: missense variant. On other transcripts: intron variant (1).
Genome position (GRCh38, 1-based): chr5:172,339,433, C>T on the plus strand (G>A on the coding strand, the complement: SH3PXD2B is on the minus strand). VCF-style: chr5-172339433-C-T. GRCh37 (hg19) VCF-style: chr5-171766437-C-T.
Other names: c.1188+6703G>A (NM_001308175.2); short protein forms G558S.
Identifiers: ClinVar variation 903916 (VCV000903916.16), dbSNP rs536952235, ClinGen allele CA3561125.
Genomic context (GRCh38, chr5:172,339,433, plus strand): 5'-GCCTCCTGCTGTCCCGGGCTGGAGGGATGTGTTTGGCTGGCATCATCGGCAAAATCACGC[C>T]CGGAGGCTTGGGAGTGGGGCCCCGGAGCTGCTCCGTCCTCTGCCGCTCCCGCTCCCGCTC-3'
Protein context (NP_001017995.1, residues 548-568): QLRGPTPKPP[Gly558Ser]VILPMMPAKH

ClinVar aggregate classification (germline): Benign/Likely benign. Review status: criteria provided, multiple submitters, no conflicts (2 of 4 stars). 5 submissions from 5 submitters: Benign (1); Likely benign (3). 1 of the submissions does not count toward it. Last evaluated 2025-08-04.

Conditions:
SH3PXD2B-related disorder. Also called: SH3PXD2B-related condition.
Inborn genetic diseases. Identifiers: MedGen C0950123, MeSH D030342.
Frank-Ter Haar syndrome. Also called: MELNICK-NEEDLES SYNDROME, AUTOSOMAL RECESSIVE; BORRONE DERMATOCARDIOSKELETAL SYNDROME; Borrone di Rocco Crovato syndrome; TER HAAR SYNDROME. Identifiers: Orphanet 1266, Orphanet 137834, MedGen C1855305, MONDO:0009579, OMIM 249420.

Allele frequency attached by ClinVar (database versions not stated): gnomAD below 0.00001 and 0.00025; TOPMed 0.00004; 1000 Genomes Project 30x 0.00109; 1000 Genomes Project 0.00120.
gnomAD v4.1: 619 of 1,614,138 alleles (0.038%); highest among the groups gnomAD compares: South Asian, 0.65%; 9 homozygotes.

Submissions (5):

Labcorp Genetics (formerly Invitae), Labcorp
Classification: Benign. Last evaluated: 2025-08-04. Review status: criteria provided, single submitter. Criteria: Invitae Variant Classification Sherloc (09022015). Collection method: clinical testing. Allele origin: germline.

Ambry Genetics
Classification: Likely benign for Inborn genetic diseases. Last evaluated: 2025-04-03. Review status: criteria provided, single submitter. Criteria: Ambry Variant Classification Scheme 2023. Collection method: clinical testing. Allele origin: germline.

Blueprint Genetics
Classification: Likely benign. Last evaluated: 2024-09-03. Review status: criteria provided, single submitter. Criteria: ACMG Guidelines, 2015. Collection method: clinical testing. Allele origin: germline.

Illumina Laboratory Services, Illumina
Classification: Likely benign for Frank-Ter Haar syndrome. Last evaluated: 2018-01-13. Review status: criteria provided, single submitter. Criteria: ICSL Variant Classification Criteria 13 December 2019. Collection method: clinical testing. Allele origin: germline.
Comment: This variant was observed in the ICSL laboratory as part of a predisposition screen in an ostensibly healthy population. It had not been previously curated by ICSL or reported in the Human Gene Mutation Database (HGMD: prior to June 1st, 2018), and was therefore a candidate for classification through an automated scoring system. Utilizing variant allele frequency, disease prevalence and penetrance estimates, and inheritance mode, an automated score was calculated to assess if this variant is too frequent to cause the disease. Based on the score and internal cut-off values, a variant classified as likely benign is not then subjected to further curation. The score for this variant resulted in a classification of likely benign for this disease.

PreventionGenetics, part of Exact Sciences
Classification: Likely benign for SH3PXD2B-related condition. Last evaluated: 2019-07-02. Review status: no assertion criteria provided. Collection method: clinical testing. Allele origin: germline. Not counted in ClinVar's aggregate classification.
Comment: This variant is classified as likely benign based on ACMG/AMP sequence variant interpretation guidelines (Richards et al. 2015 PMID: 25741868, with internal and published modifications).